The following is an entry in ClinVar:

NM_004560.4(ROR2):c.902T>A (p.Met301Lys)

Gene: ROR2 (receptor tyrosine kinase like orphan receptor 2; minus strand). Cytogenetic location: 9q22.31.
Variant type: single nucleotide variant.
Coding change: c.902T>A on transcript NM_004560.4 (MANE Select); coding-DNA position 902, T replaced by A.
Protein change: p.Met301Lys; replaces methionine 301 with lysine.
Molecular consequence: missense variant.
Genome position (GRCh38, 1-based): chr9:91,733,157, A>T on the plus strand (T>A on the coding strand, the complement: ROR2 is on the minus strand). VCF-style: chr9-91733157-A-T. GRCh37 (hg19) VCF-style: chr9-94495439-A-T.
Other names: c.902T>A, p.Met301Lys (NM_001318204.2); short protein forms M301K.
Identifiers: ClinVar variation 1499321 (VCV001499321.6), dbSNP rs2118699388, ClinGen allele CA373800685.
Genomic context (GRCh38, chr9:91,733,157, plus strand): 5'-CCGCCCCGGGCCCTCGGGCACTCACAGCGGCCCAGCCTCTCGGCTGGGATGCCAATGCGC[A>T]TGCAGTTGGCAGCGTCGGGGCTCTCAGGCATGGGCAGCGCCTCACACTTGGGCAGCTGAA-3'
Protein context (NP_004551.2, residues 291-311): MPESPDAANC[Met301Lys]RIGIPAERLG

ClinVar aggregate classification (germline): Uncertain significance (1 of 4 stars; one submission).

Submission:

Labcorp Genetics (formerly Invitae), Labcorp
Classification: Uncertain significance. Last evaluated: 2022-09-07. Review status: criteria provided, single submitter. Criteria: Invitae Variant Classification Sherloc (09022015). Collection method: clinical testing. Allele origin: germline.
Comment: This variant is not present in population databases (gnomAD no frequency). In summary, the available evidence is currently insufficient to determine the role of this variant in disease. Therefore, it has been classified as a Variant of Uncertain Significance. Advanced modeling of protein sequence and biophysical properties (such as structural, functional, and spatial information, amino acid conservation, physicochemical variation, residue mobility, and thermodynamic stability) performed at Invitae indicates that this missense variant is not expected to disrupt ROR2 protein function. ClinVar contains an entry for this variant (Variation ID: 1499321). This variant has not been reported in the literature in individuals affected with ROR2-related conditions. This sequence change replaces methionine, which is neutral and non-polar, with lysine, which is basic and polar, at codon 301 of the ROR2 protein (p.Met301Lys).